The following is an entry in ClinVar:

ClinVar aggregate classification (germline): Pathogenic (1 of 4 stars; one submission).

Conditions:
Gorlin syndrome. Also called: Basal cell nevus syndrome; Nevoid Basal Cell Carcinoma Syndrome. Identifiers: Orphanet 377, MedGen C0004779, MONDO:0007187.

Submission:

Labcorp Genetics (formerly Invitae), Labcorp
Classification: Pathogenic for Gorlin syndrome. Last evaluated: 2023-11-27. Review status: criteria provided, single submitter. Criteria: Invitae Variant Classification Sherloc (09022015). Collection method: clinical testing. Allele origin: germline.
Comment: This sequence change creates a premature translational stop signal (p.Cys234*) in the PTCH1 gene. It is expected to result in an absent or disrupted protein product. Loss-of-function variants in PTCH1 are known to be pathogenic (PMID: 16301862, 16419085). This variant is not present in population databases (gnomAD no frequency). This variant has not been reported in the literature in individuals affected with PTCH1-related conditions. ClinVar contains an entry for this variant (Variation ID: 2005645). For these reasons, this variant has been classified as Pathogenic.

Literature cited by the submitters: PubMed 16301862; PubMed 16419085.

NM_000264.5(PTCH1):c.702C>A (p.Cys234Ter)

Gene: PTCH1 (patched 1; minus strand). Cytogenetic location: 9q22.32.
Variant type: single nucleotide variant.
Coding change: c.702C>A on transcript NM_000264.5 (MANE Select); coding-DNA position 702, C replaced by A.
Protein change: p.Cys234Ter; replaces cysteine 234 with a stop codon.
Molecular consequence: nonsense. On other transcripts: non-coding transcript variant (1).
Genome position (GRCh38, 1-based): chr9:95,481,993, G>T on the plus strand (C>A on the coding strand, the complement: PTCH1 is on the minus strand). VCF-style: chr9-95481993-G-T. GRCh37 (hg19) VCF-style: chr9-98244275-G-T.
Other names: c.504C>A, p.Cys168Ter (NM_001083602.3, NM_001354919.2); c.699C>A, p.Cys233Ter (NM_001083603.3); c.249C>A, p.Cys83Ter (NM_001083604.3, NM_001083605.3, NM_001083606.3 and 1 more transcripts); c.702C>A, p.Cys234Ter (NM_001354918.2); short protein forms C168*, C83*, C233*, C234*.
Identifiers: ClinVar variation 2005645 (VCV002005645.4), dbSNP rs1841574509, ClinGen allele CA374114886.
Genomic context (GRCh38, chr9:95,481,993, plus strand): 5'-ATGATCACACACTTACAGGAGGTATGCTGTCCCAGACTGTAATTTCGCCCCTTCCCAGAA[G>T]CAGTCCAAAGGTGTAATAATCAAACAAGGGTAAAGATATTCTATTATCTGTCAAAGTTAA-3'